The following is an entry in ClinVar:

Conditions:
Breast-ovarian cancer, familial, susceptibility to, 1 (BROVCA1). Also called: BRCA1 Hereditary Breast and Ovarian Cancer; OVARIAN CANCER, SUSCEPTIBILITY TO. Identifiers: Orphanet 145, MedGen C2676676, MONDO:0011450, OMIM 604370. Disease mechanism: loss of function.

Allele frequency attached by ClinVar (database versions not stated): gnomAD exomes below 0.00001.
gnomAD v4.1: 1 of 1,596,462 alleles (0.000063%); highest among the groups gnomAD compares: Non-Finnish European, 0.000086%; no homozygotes.

Submission:

Brotman Baty Institute, University of Washington
No classification provided (evidence only). Condition: Breast-ovarian cancer, familial 1. Review status: no classification provided. Collection method: in vitro. Allele origin: not applicable. Functional consequence: functionally_normal.
ClinVar note: "not provided" was previously submitted as the classification for the variant. However, the classification appeared to be based only on an observation of functional data so it was converted to no classification on 2025-07-30.

NM_007294.4(BRCA1):c.5074+7C>A

Gene: BRCA1 (BRCA1 DNA repair associated; minus strand). Cytogenetic location: 17q21.31.
Variant type: single nucleotide variant.
Coding change: c.5074+7C>A on transcript NM_007294.4 (MANE Select); 7 bases into the intron after coding-DNA position 5074, C replaced by A.
Molecular consequence: intron variant.
Genome position (GRCh38, 1-based): chr17:43,067,601, G>T on the plus strand (C>A on the coding strand, the complement: BRCA1 is on the minus strand). VCF-style: chr17-43067601-G-T. GRCh37 (hg19) VCF-style: chr17-41219618-G-T.
Other names: c.1381+7C>A (NM_001408511.1); c.1624+7C>A (NM_001408457.1, NM_001408454.1, NM_001408456.1 and 3 more transcripts); c.4933+7C>A (NM_001407692.1, NM_001407729.1, NM_001407698.1 and 13 more transcripts); c.4690+7C>A (NM_001407960.1, NM_001407962.1); c.1495+7C>A (NM_001408505.1); c.4612+7C>A (NM_001407964.1); c.4927+7C>A (NM_001407844.1, NM_001407851.1, NM_001407849.1 and 12 more transcripts); c.4930+7C>A (NM_001407743.1, NM_001407735.1, NM_001407744.1 and 21 more transcripts); and 71 more.
Identifiers: ClinVar variation 868600 (VCV000868600.3), dbSNP rs1597825506, ClinGen allele CA916080152.
Genomic context (GRCh38, chr17:43,067,601, plus strand): 5'-ACCGTGCCTCGCCTCATGTGGTTTTATGCAGCAGATGCAAGGTATTCTGTAAAGGTTCTT[G>T]GTATACCTGTTTTCATAACAACATGAGTAGTCTCTTCAGTAATTAGATTAGTTAAAGTGA-3'